The following is an entry in ClinVar:

NM_182476.3(COQ6):c.1079G>A (p.Arg360Gln)

Genes: ENTPD5 (ectonucleoside triphosphate diphosphohydrolase 5; minus strand), COQ6 (coenzyme Q6, monooxygenase; plus strand). Cytogenetic location: 14q24.3.
Variant type: single nucleotide variant.
Coding change: c.1079G>A on transcript NM_182476.3 (MANE Select); coding-DNA position 1079, G replaced by A.
Protein change: p.Arg360Gln; replaces arginine 360 with glutamine.
Molecular consequence: missense variant. On other transcripts: 3 prime UTR variant (1), intron variant (5).
Genome position (GRCh38, 1-based): chr14:73,961,360, G>A. VCF-style: chr14-73961360-G-A. GRCh37 (hg19) VCF-style: chr14-74428063-G-A.
Other names: c.1079G>A, p.Arg360Gln (NM_001425255.1); c.971G>A, p.Arg324Gln (NM_001425256.1); c.914G>A, p.Arg305Gln (NM_001425257.1); c.896G>A, p.Arg299Gln (NM_001425258.1); c.854G>A, p.Arg285Gln (NM_001425259.1, NM_001425260.1, NM_001425261.1); c.824G>A, p.Arg275Gln (NM_001425262.1); c.752G>A, p.Arg251Gln (NM_001425263.1); c.539G>A, p.Arg180Gln (NM_001425264.1, NM_001425265.1); and 5 more; short protein forms R335Q, R360Q.
Identifiers: ClinVar variation 2077072 (VCV002077072.5), dbSNP rs367817034, ClinGen allele CA7264428.

ClinVar aggregate classification (germline): Uncertain significance. Review status: criteria provided, multiple submitters, no conflicts (2 of 4 stars). 2 submissions from 2 submitters: Uncertain significance (2). Last evaluated 2024-04-11.

Conditions:
Familial steroid-resistant nephrotic syndrome with sensorineural deafness. Identifiers: Orphanet 280406, MedGen C3553349, MONDO:0013836, OMIM 614650.

Allele frequency attached by ClinVar (database versions not stated): TOPMed 0.00004; ExAC 0.00007; gnomAD 0.00003; ESP Exome Variant Server 0.00008; 1000 Genomes Project 30x 0.00016; 1000 Genomes Project 0.00020.
gnomAD v4.1: 61 of 1,614,168 alleles (0.0038%); highest among the groups gnomAD compares: Middle Eastern, 0.049%; 1 homozygote.

Submissions (3):

Fulgent Genetics
Classification: Uncertain significance for Familial steroid-resistant nephrotic syndrome with sensorineural deafness. Last evaluated: 2024-04-11. Review status: criteria provided, single submitter. Criteria: ACMG Guidelines, 2015. Collection method: clinical testing. Allele origin: germline.

Labcorp Genetics (formerly Invitae), Labcorp
Classification: Uncertain significance. Last evaluated: 2022-11-28. Review status: criteria provided, single submitter. Criteria: Invitae Variant Classification Sherloc (09022015). Collection method: clinical testing. Allele origin: germline.
Comment: In summary, the available evidence is currently insufficient to determine the role of this variant in disease. Therefore, it has been classified as a Variant of Uncertain Significance. Advanced modeling of protein sequence and biophysical properties (such as structural, functional, and spatial information, amino acid conservation, physicochemical variation, residue mobility, and thermodynamic stability) has been performed at Invitae for this missense variant, however the output from this modeling did not meet the statistical confidence thresholds required to predict the impact of this variant on COQ6 protein function. This variant has not been reported in the literature in individuals affected with COQ6-related conditions. This variant is present in population databases (rs367817034, gnomAD 0.03%). This sequence change replaces arginine, which is basic and polar, with glutamine, which is neutral and polar, at codon 360 of the COQ6 protein (p.Arg360Gln).

Dr. Peter K. Rogan Lab, Western University
No classification provided (evidence only). Condition: Clear cell carcinoma of kidney. Review status: no classification provided. Collection method: in vitro. Allele origin: not applicable. Functional consequence: retained intron. Not counted in ClinVar's aggregate classification.